The following is an entry in ClinVar:

ClinVar aggregate classification (germline): Uncertain significance (1 of 4 stars; one submission).

Submission:

GeneDx
Classification: Uncertain significance. Last evaluated: 2023-12-05. Review status: criteria provided, single submitter. Criteria: GeneDx Variant Classification Process June 2021. Collection method: clinical testing. Allele origin: germline. Affected: yes.
Comment: Not observed at significant frequency in large population cohorts (gnomAD); Nonsense variant predicted to result in protein truncation or nonsense mediated decay in a gene for which loss-of-function is not a known mechanism of disease; Has not been previously published as pathogenic or benign to our knowledge

NM_014754.3(PTDSS1):c.1131dup (p.Lys378Ter)

Gene: PTDSS1 (phosphatidylserine synthase 1; plus strand). Cytogenetic location: 8q22.1.
Variant type: Duplication.
Coding change: c.1131dup on transcript NM_014754.3 (MANE Select); coding-DNA position 1131, one base duplicated (T; older notation c.1131dupT).
Protein change: p.Lys378Ter; replaces lysine 378 with a stop codon.
Molecular consequence: nonsense.
Genome position (GRCh38, 1-based): chr8:96,320,303, T duplicated. VCF-style (leftmost placement, unchanged base first): chr8-96320302-C-CT. GRCh37 (hg19) VCF-style: chr8-97332530-C-CT.
Other names: c.693dup, p.Lys232Ter (NM_001290225.2); short protein forms K232*, K378*.
Identifiers: ClinVar variation 3365125 (VCV003365125.1).